The following is an entry in ClinVar:

ClinVar aggregate classification (germline): Uncertain significance (1 of 4 stars; one submission).

Conditions:
Aortic aneurysm, familial thoracic 7 (AAT7). Also called: AORTIC DISSECTION, FAMILIAL, WITH OR WITHOUT AORTIC ANEURYSM. Identifiers: MedGen C3151077, MONDO:0013418, OMIM 613780.

gnomAD v4.1: 2 of 1,613,326 alleles (0.00012%); highest among the groups gnomAD compares: Non-Finnish European, 0.00017%; no homozygotes.

Submission:

Labcorp Genetics (formerly Invitae), Labcorp
Classification: Uncertain significance for Aortic aneurysm, familial thoracic 7. Last evaluated: 2022-07-19. Review status: criteria provided, single submitter. Criteria: Invitae Variant Classification Sherloc (09022015). Collection method: clinical testing. Allele origin: germline.
Comment: In summary, the available evidence is currently insufficient to determine the role of this variant in disease. Therefore, it has been classified as a Variant of Uncertain Significance. Advanced modeling of protein sequence and biophysical properties (such as structural, functional, and spatial information, amino acid conservation, physicochemical variation, residue mobility, and thermodynamic stability) performed at Invitae indicates that this missense variant is not expected to disrupt MYLK protein function. ClinVar contains an entry for this variant (Variation ID: 857518). This variant has not been reported in the literature in individuals affected with MYLK-related conditions. This variant is not present in population databases (gnomAD no frequency). This sequence change replaces proline, which is neutral and non-polar, with alanine, which is neutral and non-polar, at codon 60 of the MYLK protein (p.Pro60Ala).

NM_053025.4(MYLK):c.178C>G (p.Pro60Ala)

Gene: MYLK (myosin light chain kinase; minus strand). Cytogenetic location: 3q21.1.
Variant type: single nucleotide variant.
Coding change: c.178C>G on transcript NM_053025.4 (MANE Select); coding-DNA position 178, C replaced by G.
Protein change: p.Pro60Ala; replaces proline 60 with alanine.
Molecular consequence: missense variant. On other transcripts: intron variant (1).
Genome position (GRCh38, 1-based): chr3:123,752,526, G>C on the plus strand (C>G on the coding strand, the complement: MYLK is on the minus strand). VCF-style: chr3-123752526-G-C. GRCh37 (hg19) VCF-style: chr3-123471373-G-C.
Other names: c.178C>G, p.Pro60Ala (NM_053026.4, NM_053027.4, NM_053028.4); c.-155-12525C>G (NM_001321309.2); short protein forms P60A.
Identifiers: ClinVar variation 857518 (VCV000857518.9), dbSNP rs2063229998, ClinGen allele CA354245468.